The following is an entry in ClinVar:

ClinVar aggregate classification (germline): Uncertain significance (1 of 4 stars; one submission).

Conditions:
Cystic fibrosis (CF). Also called: MUCOVISCIDOSIS. Identifiers: Orphanet 586, MedGen C0010674, MONDO:0009061, OMIM 219700. Disease mechanism: loss of function.

Submission:

Labcorp Genetics (formerly Invitae), Labcorp
Classification: Uncertain significance for Cystic fibrosis. Last evaluated: 2019-07-31. Review status: criteria provided, single submitter. Criteria: Invitae Variant Classification Sherloc (09022015). Collection method: clinical testing. Allele origin: germline.
Comment: This sequence change replaces alanine with serine at codon 559 of the CFTR protein (p.Ala559Ser). The alanine residue is highly conserved and there is a moderate physicochemical difference between alanine and serine. This variant is not present in population databases (ExAC no frequency). This variant has not been reported in the literature in individuals with CFTR-related conditions. Algorithms developed to predict the effect of missense changes on protein structure and function (SIFT, PolyPhen-2, Align-GVGD) all suggest that this variant is likely to be disruptive, but these predictions have not been confirmed by published functional studies and their clinical significance is uncertain. This variant disrupts the p.Ala559 amino acid residue in CFTR. Other variant(s) that disrupt this residue have been determined to be pathogenic (PMID: 1695717, 18456578, 9950364, 9150159, 12007216). This suggests that this residue is clinically significant, and that variants that disrupt this residue are likely to be disease-causing. In summary, the available evidence is currently insufficient to determine the role of this variant in disease. Therefore, it has been classified as a Variant of Uncertain Significance.

Literature cited by the submitters: PubMed 1695717; PubMed 18456578; PubMed 9950364; PubMed 9150159; PubMed 12007216.

NM_000492.4(CFTR):c.1675G>T (p.Ala559Ser)

Genes: CFTR (CF transmembrane conductance regulator; plus strand), LOC111674475 (CFTR intron 11 enhancer; plus strand). Cytogenetic location: 7q31.2.
Variant type: single nucleotide variant.
Coding change: c.1675G>T on transcript NM_000492.4 (MANE Select); coding-DNA position 1675, G replaced by T.
Protein change: p.Ala559Ser; replaces alanine 559 with serine.
Molecular consequence: missense variant.
Genome position (GRCh38, 1-based): chr7:117,587,829, G>T. VCF-style: chr7-117587829-G-T. GRCh37 (hg19) VCF-style: chr7-117227883-G-T.
Other names: short protein forms A559S.
Identifiers: ClinVar variation 955475 (VCV000955475.9), dbSNP rs75549581, ClinGen allele CA368976209.